The following is an entry in ClinVar:

NM_000388.4(CASR):c.1843G>A (p.Ala615Thr)

Gene: CASR (calcium sensing receptor; plus strand). Cytogenetic location: 3q21.1.
Variant type: single nucleotide variant.
Coding change: c.1843G>A on transcript NM_000388.4 (MANE Select); coding-DNA position 1843, G replaced by A.
Protein change: p.Ala615Thr; replaces alanine 615 with threonine.
Molecular consequence: missense variant.
Genome position (GRCh38, 1-based): chr3:122,283,797, G>A. VCF-style: chr3-122283797-G-A. GRCh37 (hg19) VCF-style: chr3-122002644-G-A.
Other names: c.1873G>A, p.Ala625Thr (NM_001178065.2); short protein forms A615T, A625T.
Identifiers: ClinVar variation 410329 (VCV000410329.17), dbSNP rs768660050, ClinGen allele CA2569752.

ClinVar aggregate classification (germline): Conflicting classifications of pathogenicity. Review status: criteria provided, conflicting classifications (1 of 4 stars). 4 submissions from 4 submitters: Uncertain significance (3); Likely benign (1). Last evaluated 2025-08-18.

Conditions:
Autosomal dominant hypocalcemia 1 (HYPOC1). Also called: HYPOCALCEMIA, FAMILIAL. Identifiers: MedGen C3715128, MONDO:0011013, OMIM 601198.
Neonatal severe primary hyperparathyroidism. Identifiers: Orphanet 417, MedGen C1832615, MONDO:0009397, OMIM 239200.
Epilepsy, idiopathic generalized, susceptibility to, 8. Identifiers: MedGen C2752062, MONDO:0013032, OMIM 612899.
Familial hypocalciuric hypercalcemia 1. Also called: Hypercalcemia, familial benign type 1. Identifiers: Orphanet 405, Orphanet 93372, MedGen C0342637, MONDO:0007791, OMIM 145980.
Familial hypocalciuric hypercalcemia (FHH). Also called: Familial benign hypercalcemia. Identifiers: Orphanet 405, MedGen C1809471, MONDO:0018458.
Nephrolithiasis/nephrocalcinosis. Identifiers: MedGen CN580796.

Allele frequency attached by ClinVar (database versions not stated): gnomAD 0.00001; TOPMed 0.00001; ExAC 0.00002; gnomAD exomes 0.00002.
gnomAD v4.1: 18 of 1,613,916 alleles (0.0011%); highest among the groups gnomAD compares: South Asian, 0.0066%; no homozygotes.

Submissions (4):

Labcorp Genetics (formerly Invitae), Labcorp
Classification: Likely benign for Familial hypocalciuric hypercalcemia; Autosomal dominant hypocalcemia 1. Last evaluated: 2025-08-18. Review status: criteria provided, single submitter. Criteria: Invitae Variant Classification Sherloc (09022015). Collection method: clinical testing. Allele origin: germline.

Ambry Genetics
Classification: Uncertain significance for Nephrolithiasis/nephrocalcinosis. Last evaluated: 2022-08-12. Review status: criteria provided, single submitter. Criteria: Ambry Variant Classification Scheme 2023. Collection method: clinical testing. Allele origin: germline.
Comment: The p.A615T variant (also known as c.1843G>A), located in coding exon 6 of the CASR gene, results from a G to A substitution at nucleotide position 1843. The alanine at codon 615 is replaced by threonine, an amino acid with similar properties. This amino acid position is highly conserved in available vertebrate species. In addition, this alteration is predicted to be deleterious by in silico analysis. Since supporting evidence is limited at this time, the clinical significance of this alteration remains unclear.

Fulgent Genetics
Classification: Uncertain significance for Familial hypocalciuric hypercalcemia 1; Neonatal severe primary hyperparathyroidism; Autosomal dominant hypocalcemia 1; Epilepsy, idiopathic generalized, susceptibility to, 8. Last evaluated: 2022-04-19. Review status: criteria provided, single submitter. Criteria: ACMG Guidelines, 2015. Collection method: clinical testing. Allele origin: unknown.

Revvity Omics, Revvity
Classification: Uncertain significance. Last evaluated: 2021-11-01. Review status: criteria provided, single submitter. Criteria: ACMG Guidelines, 2015. Collection method: clinical testing. Allele origin: germline.